The following is an entry in ClinVar:

NM_015272.5(RPGRIP1L):c.1243+106A>G

Gene: RPGRIP1L (RPGRIP1 like; minus strand). Cytogenetic location: 16q12.2.
Variant type: single nucleotide variant.
Coding change: c.1243+106A>G on transcript NM_015272.5 (MANE Select); 106 bases into the intron after coding-DNA position 1243, A replaced by G.
Molecular consequence: intron variant.
Genome position (GRCh38, 1-based): chr16:53,664,764, T>C on the plus strand (A>G on the coding strand, the complement: RPGRIP1L is on the minus strand). VCF-style: chr16-53664764-T-C. GRCh37 (hg19) VCF-style: chr16-53698676-T-C.
Other names: c.1243+106A>G (NM_001127897.4, NM_001330538.2, NM_001308334.3).
Identifiers: ClinVar variation 674936 (VCV000674936.1), dbSNP rs5005161, ClinGen allele CA14327270.

ClinVar aggregate classification (germline): Benign (1 of 4 stars; one submission).

Allele frequency attached by ClinVar (database versions not stated): gnomAD exomes 0.14957; gnomAD 0.21303 and 0.21537; TOPMed 0.23098; 1000 Genomes Project 0.30651; 1000 Genomes Project 30x 0.30903.
gnomAD v4.1: 198,203 of 1,247,870 alleles (16%); highest among the groups gnomAD compares: East Asian, 41%; 21,207 homozygotes.

Submission:

GeneDx
Classification: Benign. Last evaluated: 2018-06-16. Review status: criteria provided, single submitter. Criteria: GeneDx Variant Classification (06012015). Collection method: clinical testing. Allele origin: germline. Affected: yes.
Comment: This variant is considered likely benign or benign based on one or more of the following criteria: it is a conservative change, it occurs at a poorly conserved position in the protein, it is predicted to be benign by multiple in silico algorithms, and/or has population frequency not consistent with disease.